The following is an entry in ClinVar:

ClinVar aggregate classification (germline): Benign/Likely benign. Review status: criteria provided, multiple submitters, no conflicts (2 of 4 stars). 7 submissions from 7 submitters: Benign (1); Likely benign (6). Last evaluated 2026-03-27.

Conditions:
Familial thoracic aortic aneurysm and aortic dissection (TAAD). Also called: Thoracic aortic aneurysms and dissections. Identifiers: Orphanet 91387, MedGen C4707243, MONDO:0019625.
Aortic aneurysm, familial thoracic 4 (AAT4). Also called: AORTIC ANEURYSM/AORTIC DISSECTION AND PATENT DUCTUS ARTERIOSUS. Identifiers: MedGen C1851504, MONDO:0007568, OMIM 132900.

Allele frequency attached by ClinVar (database versions not stated): gnomAD exomes 0.00002 and 0.00007; ExAC 0.00011; 1000 Genomes Project 0.00020; ESP Exome Variant Server 0.00023; 1000 Genomes Project 30x 0.00031; gnomAD 0.00036 and 0.00040; TOPMed 0.00039.
gnomAD v4.1: 83 of 1,612,994 alleles (0.0051%); highest among the groups gnomAD compares: African/African-American, 0.099%; no homozygotes.

Submissions (7):

Molecular Diagnostic Laboratory for Inherited Cardiovascular Disease, Montreal Heart Institute
Classification: Likely benign. Last evaluated: 2026-03-27. Review status: criteria provided, single submitter. Criteria: ACMG Guidelines, 2015. Collection method: clinical testing. Allele origin: germline. Affected: no.
Comment: BS1;BP4

Labcorp Genetics (formerly Invitae), Labcorp
Classification: Likely benign for Aortic aneurysm, familial thoracic 4. Last evaluated: 2026-01-28. Review status: criteria provided, single submitter. Criteria: Invitae Variant Classification Sherloc (09022015). Collection method: clinical testing. Allele origin: germline.

Color Diagnostics, LLC DBA Color Health
Classification: Benign for Familial thoracic aortic aneurysm and aortic dissection. Last evaluated: 2024-09-12. Review status: criteria provided, single submitter. Criteria: ACMG Guidelines, 2015. Collection method: clinical testing. Allele origin: germline.

All of Us Research Program, National Institutes of Health
Classification: Likely benign for Familial thoracic aortic aneurysm and aortic dissection. Last evaluated: 2024-02-05. Review status: criteria provided, single submitter. Criteria: ACMG Guidelines, 2015. Collection method: clinical testing. Allele origin: germline. Inheritance: Autosomal dominant inheritance. Observed: 15 variant alleles, 15 heterozygotes.
Comment: This study involves interpretation of variants in research participants for the purpose of population health screening. Participant phenotype was not available at the time of variant classification. Additional details can be found in publication PMID: 35346344, PMCID: PMC8962531

Blueprint Genetics
Classification: Likely benign. Last evaluated: 2023-03-06. Review status: criteria provided, single submitter. Criteria: ACMG Guidelines, 2015. Collection method: clinical testing. Allele origin: germline.

GeneDx
Classification: Likely benign. Last evaluated: 2020-05-04. Review status: criteria provided, single submitter. Criteria: GeneDx Variant Classification Process June 2021. Collection method: clinical testing. Allele origin: germline. Affected: yes.

Ambry Genetics
Classification: Likely benign for Familial thoracic aortic aneurysm and aortic dissection. Last evaluated: 2017-04-26. Review status: criteria provided, single submitter. Criteria: Ambry Variant Classification Scheme 2023. Collection method: clinical testing. Allele origin: germline.

NM_002474.3(MYH11):c.3776C>T (p.Ala1259Val)

Gene: MYH11 (myosin heavy chain 11; minus strand). Cytogenetic location: 16p13.11.
Variant type: single nucleotide variant.
Coding change: c.3776C>T on transcript NM_002474.3 (MANE Select); coding-DNA position 3776, C replaced by T.
Protein change: p.Ala1259Val; replaces alanine 1259 with valine.
Molecular consequence: missense variant.
Genome position (GRCh38, 1-based): chr16:15,726,930, G>A on the plus strand (C>T on the coding strand, the complement: MYH11 is on the minus strand). VCF-style: chr16-15726930-G-A. GRCh37 (hg19) VCF-style: chr16-15820787-G-A.
Other names: c.3797C>T, p.Ala1266Val (NM_001040113.2, NM_001040114.2); c.3776C>T, p.Ala1259Val (NM_022844.3); short protein forms A1259V, A1266V.
Identifiers: ClinVar variation 264118 (VCV000264118.23), dbSNP rs138623948, ClinGen allele CA7921894.
Genomic context (GRCh38, chr16:15,726,930, plus strand): 5'-TTGAGCTCCGCCCGGGCCCGCTCCCCATCGCTGCACTTGGACTGCAGCTCCTGCACCTGC[G>A]CCTCCAGCTTCTTCTTCTTATGTTCCACCTCCTGCTTGGCCTGGCCCAGGACCCGCAGCT-3'
Protein context (NP_002465.1, residues 1249-1269): EVEHKKKKLE[Ala1259Val]QVQELQSKCS